The following is an entry in ClinVar:

NM_021163.4(RBAK):c.1602A>T (p.Lys534Asn)

Genes: RBAK (RB associated KRAB zinc finger; plus strand), RBAK-RBAKDN (RBAK-RBAKDN readthrough; plus strand). Cytogenetic location: 7p22.1.
Variant type: single nucleotide variant.
Coding change: c.1602A>T on transcript NM_021163.4 (MANE Select); coding-DNA position 1602, A replaced by T.
Protein change: p.Lys534Asn; replaces lysine 534 with asparagine.
Molecular consequence: missense variant. On other transcripts: intron variant (1).
Genome position (GRCh38, 1-based): chr7:5,065,058, A>T. VCF-style: chr7-5065058-A-T. GRCh37 (hg19) VCF-style: chr7-5104689-A-T.
Other names: c.1602A>T, p.Lys534Asn (NM_001204456.2); c.238+7279A>T (NM_001204513.3); short protein forms K534N.
Identifiers: ClinVar variation 161746 (VCV000161746.2), dbSNP rs193921102, ClinGen allele CA174709.

ClinVar aggregate classification (germline): Uncertain significance (0 of 4 stars; one submission).

Conditions:
Prostate cancer. Also called: Malignant tumor of prostate. Identifiers: Orphanet 1331, MedGen C0376358, MONDO:0008315, HP:0012125.

Submission:

Science for Life laboratory,  Karolinska Institutet
Classification: Uncertain significance for Malignant tumor of prostate. Review status: no assertion criteria provided. Collection method: not provided. Allele origin: somatic.
Comment: TumorID:SWE-91B
ClinVar note: Converted during submission from Unknown to Uncertain significance.